The following is an entry in ClinVar:

NM_001039591.3(USP9X):c.5683A>G (p.Asn1895Asp)

Gene: USP9X (ubiquitin specific peptidase 9 X-linked; plus strand). Cytogenetic location: Xp11.4.
Variant type: single nucleotide variant.
Coding change: c.5683A>G on transcript NM_001039591.3 (MANE Select); coding-DNA position 5683, A replaced by G.
Protein change: p.Asn1895Asp; replaces asparagine 1895 with aspartic acid.
Molecular consequence: missense variant.
Genome position (GRCh38, 1-based): chrX:41,216,250, A>G. VCF-style: chrX-41216250-A-G. GRCh37 (hg19) VCF-style: chrX-41075503-A-G.
Other names: c.5683A>G, p.Asn1895Asp (NM_001039590.3); short protein forms N1895D.
Identifiers: ClinVar variation 521320 (VCV000521320.5), dbSNP rs1555933987, ClinGen allele CA412792433.

ClinVar aggregate classification (germline): Uncertain significance. Review status: criteria provided, multiple submitters, no conflicts (2 of 4 stars). 2 submissions from 2 submitters: Uncertain significance (2). Last evaluated 2021-04-27.

Conditions:
Inborn genetic diseases. Identifiers: MedGen C0950123, MeSH D030342.

Submissions (2):

GeneDx
Classification: Uncertain significance. Last evaluated: 2021-04-27. Review status: criteria provided, single submitter. Criteria: GeneDx Variant Classification Process June 2021. Collection method: clinical testing. Allele origin: germline. Affected: yes.
Comment: Not observed in large population cohorts (Lek et al., 2016); In silico analysis supports that this missense variant does not alter protein structure/function; Has not been previously published as pathogenic or benign to our knowledge; This variant is associated with the following publications: (PMID: 24607389, 24690944, 25763846, 26833328, 28688840)

Ambry Genetics
Classification: Uncertain significance for Hereditary disease. Last evaluated: 2016-12-09. Review status: criteria provided, single submitter. Criteria: ambry_reporting_categories_2017. Collection method: clinical testing. Allele origin: germline. Affected: yes. Observed: 1 hemizygote. Segregation with disease observed.
Comment: Lines of evidence used in support of classification: UNCERTAIN: Alteration(s) of Uncertain Clinical Significance Detected

Literature cited by the submitters: PubMed 25763846 (cited by Ambry Genetics); PubMed 24607389 (cited by Ambry Genetics); PubMed 24690944 (cited by Ambry Genetics); PubMed 26833328 (cited by Ambry Genetics); PubMed 28688840 (cited by Ambry Genetics).